The following is an entry in ClinVar:

NM_000059.4(BRCA2):c.3683A>G (p.Asn1228Ser)

Gene: BRCA2 (BRCA2 DNA repair associated; plus strand). Cytogenetic location: 13q13.1.
Variant type: single nucleotide variant.
Coding change: c.3683A>G on transcript NM_000059.4 (MANE Select); coding-DNA position 3683, A replaced by G.
Protein change: p.Asn1228Ser; replaces asparagine 1228 with serine.
Molecular consequence: missense variant.
Genome position (GRCh38, 1-based): chr13:32,338,038, A>G. VCF-style: chr13-32338038-A-G. GRCh37 (hg19) VCF-style: chr13-32912175-A-G.
Other names: short protein forms N1228S.
Identifiers: ClinVar variation 186291 (VCV000186291.7), dbSNP rs786202838, ClinGen allele CA018570.

ClinVar aggregate classification (germline): Conflicting classifications of pathogenicity. Review status: criteria provided, conflicting classifications (1 of 4 stars). 2 submissions from 2 submitters: Uncertain significance (1); Likely benign (1). Last evaluated 2023-11-02.

Conditions:
Hereditary cancer-predisposing syndrome. Also called: Neoplastic Syndromes, Hereditary; Tumor predisposition; Hereditary Cancer Syndrome; Hereditary neoplastic syndrome. Identifiers: Orphanet 140162, MedGen C0027672, MeSH D009386, MONDO:0015356.

Submissions (2):

Ambry Genetics
Classification: Uncertain significance for Hereditary cancer-predisposing syndrome. Last evaluated: 2023-11-02. Review status: criteria provided, single submitter. Criteria: Ambry Variant Classification Scheme 2023. Collection method: clinical testing. Allele origin: germline.
Comment: The p.N1228S variant (also known as c.3683A>G), located in coding exon 10 of the BRCA2 gene, results from an A to G substitution at nucleotide position 3683. The asparagine at codon 1228 is replaced by serine, an amino acid with highly similar properties. This variant was identified in 1 of 2351 breast and/or ovarian cancer patients undergoing BRCA1/2 genetic testing (Santonocito C et al. Cancers (Basel), 2020 May;12:). This amino acid position is poorly conserved in available vertebrate species. In addition, this alteration is predicted to be tolerated by in silico analysis. Since supporting evidence is limited at this time, the clinical significance of this alteration remains unclear.

University of Washington Department of Laboratory Medicine, University of Washington
Classification: Likely benign for Hereditary cancer-predisposing syndrome. Last evaluated: 2023-03-23. Review status: criteria provided, single submitter. Criteria: Dines et al. (Genet Med. 2020). Collection method: curation. Allele origin: germline.
Comment: Missense variant in a coldspot region where missense variants are very unlikely to be pathogenic (PMID:31911673).

BRCA2 exon 11 coldspot. Reclassification based on statistical prior probability.

Literature cited by the submitters: PubMed 32438681 (cited by Ambry Genetics).